The following is an entry in ClinVar:

NM_005726.6(TSFM):c.154A>C (p.Lys52Gln)

Gene: TSFM (Ts translation elongation factor, mitochondrial; plus strand). Cytogenetic location: 12q14.1.
Variant type: single nucleotide variant.
Coding change: c.154A>C on transcript NM_005726.6 (MANE Select); coding-DNA position 154, A replaced by C.
Protein change: p.Lys52Gln; replaces lysine 52 with glutamine.
Molecular consequence: missense variant.
Genome position (GRCh38, 1-based): chr12:57,783,206, A>C. VCF-style: chr12-57783206-A-C. GRCh37 (hg19) VCF-style: chr12-58176989-A-C.
Other names: c.154A>C, p.Lys52Gln (NM_001172695.2, NM_001172696.2, NM_001172697.2); short protein forms K52Q.
Identifiers: ClinVar variation 3637905 (VCV003637905.2).

ClinVar aggregate classification (germline): Uncertain significance (1 of 4 stars; one submission).

gnomAD v4.1: 1 of 1,613,784 alleles (0.000062%); highest among the groups gnomAD compares: Non-Finnish European, 0.000085%; no homozygotes.

Submission:

Labcorp Genetics (formerly Invitae), Labcorp
Classification: Uncertain significance. Last evaluated: 2024-09-03. Review status: criteria provided, single submitter. Criteria: Invitae Variant Classification Sherloc (09022015). Collection method: clinical testing. Allele origin: germline.
Comment: This sequence change replaces lysine, which is basic and polar, with glutamine, which is neutral and polar, at codon 52 of the TSFM protein (p.Lys52Gln). This variant is present in population databases (rs769354645, gnomAD 0.0009%). This variant has not been reported in the literature in individuals affected with TSFM-related conditions. Invitae Evidence Modeling of protein sequence and biophysical properties (such as structural, functional, and spatial information, amino acid conservation, physicochemical variation, residue mobility, and thermodynamic stability) indicates that this missense variant is not expected to disrupt TSFM protein function with a negative predictive value of 80%. In summary, the available evidence is currently insufficient to determine the role of this variant in disease. Therefore, it has been classified as a Variant of Uncertain Significance.